The following is an entry in ClinVar:

NM_007217.4(PDCD10):c.229dup (p.Thr77fs)

Gene: PDCD10 (programmed cell death 10; minus strand). Cytogenetic location: 3q26.1.
Variant type: Duplication.
Coding change: c.229dup on transcript NM_007217.4 (MANE Select); coding-DNA position 229, one base duplicated (A; older notation c.229dupA).
Protein change: p.Thr77fs; shifts the reading frame from threonine 77.
Molecular consequence: frameshift variant.
Genome position (GRCh38, 1-based): chr3:167,697,048, T duplicated on the plus strand (A on the coding strand, the reverse complement: PDCD10 is on the minus strand). VCF-style (leftmost placement, unchanged base first): chr3-167697047-G-GT. GRCh37 (hg19) VCF-style: chr3-167414835-G-GT.
Other names: c.229dup, p.Thr77fs (NM_145859.2, NM_145860.2); short protein forms T77fs.
Identifiers: ClinVar variation 2851724 (VCV002851724.3), dbSNP rs2475731172, ClinGen allele CA2739279376.

ClinVar aggregate classification (germline): Pathogenic (1 of 4 stars; one submission).

Conditions:
Cerebral cavernous malformation 3. Also called: Familial Cerebral Cavernous Malformation 3. Identifiers: Orphanet 221061, MedGen C1864040, MONDO:0011305, OMIM 603285.

Submission:

Labcorp Genetics (formerly Invitae), Labcorp
Classification: Pathogenic for Cerebral cavernous malformation 3. Last evaluated: 2023-04-03. Review status: criteria provided, single submitter. Criteria: Invitae Variant Classification Sherloc (09022015). Collection method: clinical testing. Allele origin: germline.
Comment: This sequence change creates a premature translational stop signal (p.Thr77Asnfs*10) in the PDCD10 gene. It is expected to result in an absent or disrupted protein product. Loss-of-function variants in PDCD10 are known to be pathogenic (PMID: 15543491, 18300272, 23801932). This variant is not present in population databases (gnomAD no frequency). This variant has not been reported in the literature in individuals affected with PDCD10-related conditions. For these reasons, this variant has been classified as Pathogenic.

Literature cited by the submitters: PubMed 15543491; PubMed 18300272; PubMed 23801932.